The following is an entry in ClinVar:

ClinVar aggregate classification (germline): Pathogenic (1 of 4 stars; one submission).

Submission:

Labcorp Genetics (formerly Invitae), Labcorp
Classification: Pathogenic. Last evaluated: 2024-03-18. Review status: criteria provided, single submitter. Criteria: Invitae Variant Classification Sherloc (09022015). Collection method: clinical testing. Allele origin: germline.
Comment: This sequence change creates a premature translational stop signal (p.Arg106*) in the ABCA3 gene. It is expected to result in an absent or disrupted protein product. Loss-of-function variants in ABCA3 are known to be pathogenic (PMID: 27516224). This variant is not present in population databases (gnomAD no frequency). This premature translational stop signal has been observed in individual(s) with clinical features of autosomal recessive ABCA3-related conditions (PMID: 15044640, 24871971). For these reasons, this variant has been classified as Pathogenic.

Literature cited by the submitters: PubMed 27516224; PubMed 15044640; PubMed 24871971.

NM_001089.3(ABCA3):c.316C>T (p.Arg106Ter)

Gene: ABCA3 (ATP binding cassette subfamily A member 3; minus strand). Cytogenetic location: 16p13.3.
Variant type: single nucleotide variant.
Coding change: c.316C>T on transcript NM_001089.3 (MANE Select); coding-DNA position 316, C replaced by T.
Protein change: p.Arg106Ter; replaces arginine 106 with a stop codon.
Molecular consequence: nonsense.
Genome position (GRCh38, 1-based): chr16:2,326,013, G>A on the plus strand (C>T on the coding strand, the complement: ABCA3 is on the minus strand). VCF-style: chr16-2326013-G-A. GRCh37 (hg19) VCF-style: chr16-2376014-G-A.
Other names: short protein forms R106*.
Identifiers: ClinVar variation 2736315 (VCV002736315.3), dbSNP rs1278044377, ClinGen allele CA394351658.